The following is an entry in ClinVar:

ClinVar aggregate classification (germline): Conflicting classifications of pathogenicity. Review status: criteria provided, conflicting classifications (1 of 4 stars). 2 submissions from 2 submitters: Uncertain significance (1); Likely benign (1). Last evaluated 2025-06-12.

Allele frequency attached by ClinVar (database versions not stated): gnomAD exomes 0.00001 and 0.00010; gnomAD 0.00002 and 0.00004; TOPMed 0.00003; ExAC 0.00010; 1000 Genomes Project 0.00020; 1000 Genomes Project 30x 0.00031.
gnomAD v4.1: 25 of 1,596,860 alleles (0.0016%); highest among the groups gnomAD compares: East Asian, 0.034%; no homozygotes.

Submissions (2):

GeneDx
Classification: Uncertain significance. Last evaluated: 2025-06-12. Review status: criteria provided, single submitter. Criteria: GeneDx Variant Classification Process June 2021. Collection method: clinical testing. Allele origin: germline. Affected: yes.
Comment: Has not been previously published as pathogenic or benign to our knowledge; In silico analysis suggests that this missense variant does not alter protein structure/function

Labcorp Genetics (formerly Invitae), Labcorp
Classification: Likely benign. Last evaluated: 2025-04-17. Review status: criteria provided, single submitter. Criteria: Invitae Variant Classification Sherloc (09022015). Collection method: clinical testing. Allele origin: germline.

NM_001853.4(COL9A3):c.1282G>A (p.Asp428Asn)

Gene: COL9A3 (collagen type IX alpha 3 chain; plus strand). Cytogenetic location: 20q13.33.
Variant type: single nucleotide variant.
Coding change: c.1282G>A on transcript NM_001853.4 (MANE Select); coding-DNA position 1282, G replaced by A.
Protein change: p.Asp428Asn; replaces aspartic acid 428 with asparagine.
Molecular consequence: missense variant.
Genome position (GRCh38, 1-based): chr20:62,830,583, G>A. VCF-style: chr20-62830583-G-A. GRCh37 (hg19) VCF-style: chr20-61461935-G-A.
Other names: short protein forms D428N.
Identifiers: ClinVar variation 1307245 (VCV001307245.10), dbSNP rs562245450, ClinGen allele CA9949859.